The following is an entry in ClinVar:

NM_001267550.2(TTN):c.23178G>A (p.Ser7726=)

Gene: TTN (titin; minus strand). Cytogenetic location: 2q31.2.
Variant type: single nucleotide variant.
Coding change: c.23178G>A on transcript NM_001267550.2 (MANE Select); coding-DNA position 23178, G replaced by A.
Protein change: p.Ser7726=; no amino-acid change (serine 7726 retained).
Molecular consequence: synonymous variant. On other transcripts: intron variant (3).
Genome position (GRCh38, 1-based): chr2:178,720,584, C>T on the plus strand (G>A on the coding strand, the complement: TTN is on the minus strand). VCF-style: chr2-178720584-C-T. GRCh37 (hg19) VCF-style: chr2-179585311-C-T.
Other names: c.22227G>A, p.Ser7409= (NM_001256850.1); c.19446G>A, p.Ser6482= (NM_133378.4); c.13282+17498G>A (NM_003319.4); c.13858+17498G>A (NM_133437.4); c.13657+17498G>A (NM_133432.3).
Identifiers: ClinVar variation 228068 (VCV000228068.9), dbSNP rs753546095, ClinGen allele CA2000686.

ClinVar aggregate classification (germline): Conflicting classifications of pathogenicity. Review status: criteria provided, conflicting classifications (1 of 4 stars). 3 submissions from 3 submitters: Uncertain significance (1); Likely benign (2). Last evaluated 2016-10-12.

Allele frequency attached by ClinVar (database versions not stated): gnomAD 0.00001; gnomAD exomes 0.00002; TOPMed 0.00003; 1000 Genomes Project 30x 0.00031.
gnomAD v4.1: 36 of 1,613,124 alleles (0.0022%); highest among the groups gnomAD compares: South Asian, 0.0077%; no homozygotes.

Submissions (3):

GeneDx
Classification: Likely benign. Last evaluated: 2016-10-12. Review status: criteria provided, single submitter. Criteria: GeneDx Variant Classification (06012015). Collection method: clinical testing. Allele origin: germline. Affected: yes.
Comment: This variant is considered likely benign or benign based on one or more of the following criteria: it is a conservative change, it occurs at a poorly conserved position in the protein, it is predicted to be benign by multiple in silico algorithms, and/or has population frequency not consistent with disease.

Eurofins Ntd Llc (ga)
Classification: Uncertain significance. Last evaluated: 2015-12-11. Review status: criteria provided, single submitter. Criteria: EGL Classification Definitions 2015. Collection method: clinical testing. Allele origin: germline. Observed: 1 variant allele, 1 heterozygote.

Laboratory for Molecular Medicine, Mass General Brigham Personalized Medicine
Classification: Likely benign. Last evaluated: 2015-06-25. Review status: criteria provided, single submitter. Criteria: LMM Criteria. Collection method: clinical testing. Allele origin: germline. Observed: 1 variant allele.
Comment: p.Ser6482Ser in exon 77 of TTN: This variant is not expected to have clinical s ignificance because it does not alter an amino acid residue and is not located w ithin the splice consensus sequence. It has been identified in 2/65342 European chromosomes and 1/16246 South Asian chromosomes by the Exome Aggregation Consort ium (ExAC).